The following is an entry in ClinVar:

NM_018133.4(MSL2):c.1209_1210insAGTAA (p.Thr405fs)

Gene: MSL2 (MSL complex subunit 2; minus strand). Cytogenetic location: 3q22.3.
Variant type: Insertion.
Coding change: c.1209_1210insAGTAA on transcript NM_018133.4 (MANE Select); coding-DNA positions 1209 to 1210, AGTAA inserted.
Protein change: p.Thr405fs; shifts the reading frame from threonine 405.
Molecular consequence: frameshift variant.
Genome position: GRCh38 VCF-style: chr3-136151671-A-ATTACT. GRCh37 (hg19) VCF-style: chr3-135870513-A-ATTACT.
Other names: c.987_988insAGTAA, p.Thr331fs (NM_001145417.2); short protein forms T331fs, T405fs.
Identifiers: ClinVar variation 3773655 (VCV003773655.2).
Genomic context (GRCh38, chr3:136,151,671, plus strand): 5'-TGGTTTTAGAGTGAGATTTCTTGGATCCATGTTCATGACTCTTTTTCATGCTTTTAGTAG[A>ATTACT]TAAAAGTACAGTTTTGCTGATTTTAGGTGTTGTGCCTCCATTGGGAACAGTTGCTATAGG-3'

ClinVar aggregate classification (germline): Likely pathogenic (1 of 4 stars; one submission).

Conditions:
Karayol-Borroto-Haghshenas neurodevelopmental syndrome. Identifiers: MedGen C5975476, MONDO:0975836, OMIM 620985.

Submission:

Institute of Human Genetics, University of Leipzig Medical Center
Classification: Likely pathogenic for Karayol-Borroto-Haghshenas neurodevelopmental syndrome. Last evaluated: 2025-03-04. Review status: criteria provided, single submitter. Criteria: ACMG Guidelines, 2015. Collection method: clinical testing. Allele origin: maternal. Affected: yes.
Comment: Criteria applied: PVS1_STR,PM2